The following is an entry in ClinVar:

ClinVar aggregate classification (germline): Uncertain significance (1 of 4 stars; one submission).

Submission:

Clinical Genomics Laboratory, Washington University in St. Louis
Classification: Uncertain significance. Last evaluated: 2024-07-18. Review status: criteria provided, single submitter. Criteria: ACMG Guidelines, 2015. Collection method: clinical testing. Allele origin: germline.
Comment: The ADGRB2 c.4358_4359del (p.Thr1453Asnfs*19) variant, to our knowledge, has not been reported in the medical literature and is absent from the general population (gnomAD v.2.1.1), indicating it is not a common variant. This variant causes a frameshift by deleting two nucleotides, leading to a premature termination codon, which is predicted to lead to nonsense mediated decay. Due to limited information, the clinical significance of this variant is uncertain.

NM_001364857.2(ADGRB2):c.4358_4359del (p.Thr1453fs)

Gene: ADGRB2 (adhesion G protein-coupled receptor B2; minus strand). Cytogenetic location: 1p35.2.
Variant type: Deletion.
Coding change: c.4358_4359del on transcript NM_001364857.2 (MANE Select); coding-DNA positions 4358 to 4359, 2 bases deleted (CC; older notation c.4358_4359delCC).
Protein change: p.Thr1453fs; shifts the reading frame from threonine 1453.
Molecular consequence: frameshift variant.
Genome position (GRCh38, 1-based): chr1:31,730,821-31,730,822, GG deleted on the plus strand (CC on the coding strand, the reverse complement: ADGRB2 is on the minus strand). VCF-style (leftmost placement, unchanged base first): chr1-31730820-TGG-T. GRCh37 (hg19) VCF-style: chr1-32196421-TGG-T.
Other names: c.4358_4359del, p.Thr1453fs (NM_001294335.2); c.4259_4260del, p.Thr1420fs (NM_001294336.2); short protein forms T1420fs, T1453fs.
Identifiers: ClinVar variation 3600391 (VCV003600391.1).